The following is an entry in ClinVar:

ClinVar aggregate classification (germline): Uncertain significance. Review status: criteria provided, multiple submitters, no conflicts (2 of 4 stars). 7 submissions from 6 submitters: Uncertain significance (7). Last evaluated 2026-01-21.

Conditions:
Type 2 diabetes mellitus. Also called: Type II diabetes mellitus. Identifiers: MedGen C0011860, MeSH D003924, MONDO:0005148, OMIM 125853, HP:0005978.
Wolfram syndrome 1 (WFS1). Identifiers: Orphanet 3463, MedGen C4551693, MONDO:0009101, OMIM 222300.
Wolfram-like syndrome. Also called: HEARING LOSS, PROGRESSIVE, WITH OPTIC ATROPHY AND/OR IMPAIRED GLUCOSE REGULATION. Identifiers: Orphanet 411590, MedGen C3280358, MONDO:0013673, OMIM 614296.
Cataract 41 (CTRCT41). Also called: CATARACT 41, CONGENITAL NUCLEAR TYPE. Identifiers: Orphanet 91492, Orphanet 98991, Orphanet 98992, Orphanet 98995, MedGen C3805412, MONDO:0007287, OMIM 116400.
Autosomal dominant nonsyndromic hearing loss 6 (LFSNHL). Also called: DEAFNESS, AUTOSOMAL DOMINANT 6; DEAFNESS, AUTOSOMAL DOMINANT 14; DEAFNESS, AUTOSOMAL DOMINANT 38; Autosomal dominant nonsyndromic deafness 6. Identifiers: Orphanet 90635, MedGen C1833021, MONDO:0010963, OMIM 600965.
WFS1-Related Spectrum Disorders.

Allele frequency attached by ClinVar (database versions not stated): gnomAD 0.00001; gnomAD exomes 0.00005; TOPMed 0.00002; ExAC 0.00004.
gnomAD v4.1: 41 of 1,614,190 alleles (0.0025%); highest among the groups gnomAD compares: East Asian, 0.038%; no homozygotes.

Submissions (7):

Labcorp Genetics (formerly Invitae), Labcorp
Classification: Uncertain significance. Last evaluated: 2026-01-21. Review status: criteria provided, single submitter. Criteria: Invitae Variant Classification Sherloc (09022015). Collection method: clinical testing. Allele origin: germline.
Comment: This sequence change replaces arginine, which is basic and polar, with cysteine, which is neutral and slightly polar, at codon 383 of the WFS1 protein (p.Arg383Cys). This variant is present in population databases (rs759466443, gnomAD 0.03%). This missense change has been observed in individual(s) with clinical features of WFS1-related conditions (PMID: 15234338, 27911912). ClinVar contains an entry for this variant (Variation ID: 904089). Invitae Evidence Modeling of protein sequence and biophysical properties (such as structural, functional, and spatial information, amino acid conservation, physicochemical variation, residue mobility, and thermodynamic stability) indicates that this missense variant is not expected to disrupt WFS1 protein function with a negative predictive value of 95%. In summary, the available evidence is currently insufficient to determine the role of this variant in disease. Therefore, it has been classified as a Variant of Uncertain Significance.

Blueprint Genetics
Classification: Uncertain significance. Last evaluated: 2024-05-04. Review status: criteria provided, single submitter. Criteria: ACMG Guidelines, 2015. Collection method: clinical testing. Allele origin: germline.

Fulgent Genetics
Classification: Uncertain significance for Cataract 41; Type 2 diabetes mellitus; Wolfram syndrome 1; Autosomal dominant nonsyndromic hearing loss 6; Wolfram-like syndrome. Last evaluated: 2024-03-08. Review status: criteria provided, single submitter. Criteria: ACMG Guidelines, 2015. Collection method: clinical testing. Allele origin: germline.

GeneDx
Classification: Uncertain significance. Last evaluated: 2020-11-10. Review status: criteria provided, single submitter. Criteria: GeneDx Variant Classification Process June 2021. Collection method: clinical testing. Allele origin: germline. Affected: yes.
Comment: Identified in a patient with hearing loss in published literature, however, the patient also harbored a variant in a different gene associated with hearing loss (Iwasa et al., 2016); In silico analysis supports that this missense variant has a deleterious effect on protein structure/function; This variant is associated with the following publications: (PMID: 27911912, 15234338)

Illumina Laboratory Services, Illumina
Classification: Uncertain significance for Autosomal dominant nonsyndromic hearing loss 6. Last evaluated: 2017-04-27. Review status: criteria provided, single submitter. Criteria: ICSL Variant Classification Criteria 13 December 2019. Collection method: clinical testing. Allele origin: germline.

Illumina Laboratory Services, Illumina
Classification: Uncertain significance for WFS1-Related Spectrum Disorders. Last evaluated: 2017-04-27. Review status: criteria provided, single submitter. Criteria: ICSL Variant Classification Criteria 13 December 2019. Collection method: clinical testing. Allele origin: germline.
Comment: This variant was observed as part of a predisposition screen in an ostensibly healthy population. A literature search was performed for the gene, cDNA change, and amino acid change (where applicable). Publications were found based on this search. However, the evidence from the literature, in combination with allele frequency data from public databases where available, was not sufficient to rule this variant in or out of causing disease. Therefore, this variant is classified as a variant of unknown significance.

Precision Medicine Center, Zhengzhou University
Classification: Uncertain significance for Autosomal dominant nonsyndromic hearing loss 6. Last evaluated: 2006-06-30. Review status: criteria provided, single submitter. Criteria: ClinGen HL ACMG Specifications v1. Collection method: clinical testing. Allele origin: de novo. Affected: yes.
Comment: PM2+PP3+PP4: The WFS1 c.1147C>T variant is absent or extremely rare in population databases (PM2) and is predicted to be deleterious by multiple in silico tools (PP3). The variant is also observed in an individual with a phenotype highly consistent with WFS1-related disease (PP4). However, no functional studies or segregation data are currently available. Based on ACMG/AMP guidelines, this variant is classified as a Variant of Uncertain Significance (VUS).

Literature cited by the submitters: PubMed 15234338 (cited by Labcorp Genetics (formerly Invitae), Labcorp and Illumina Laboratory Services, Illumina); PubMed 27911912 (cited by Labcorp Genetics (formerly Invitae), Labcorp).

NM_006005.3(WFS1):c.1147C>T (p.Arg383Cys)

Gene: WFS1 (wolframin ER transmembrane glycoprotein; plus strand). Cytogenetic location: 4p16.1.
Variant type: single nucleotide variant.
Coding change: c.1147C>T on transcript NM_006005.3 (MANE Select); coding-DNA position 1147, C replaced by T.
Protein change: p.Arg383Cys; replaces arginine 383 with cysteine.
Molecular consequence: missense variant.
Genome position (GRCh38, 1-based): chr4:6,300,942, C>T. VCF-style: chr4-6300942-C-T. GRCh37 (hg19) VCF-style: chr4-6302669-C-T.
Other names: c.1147C>T, p.Arg383Cys (NM_001145853.1); short protein forms R383C.
Identifiers: ClinVar variation 904089 (VCV000904089.15), dbSNP rs759466443, ClinGen allele CA2839235.